The following is an entry in ClinVar:

NM_199420.4(POLQ):c.5236A>G (p.Lys1746Glu)

Gene: POLQ (DNA polymerase theta; minus strand). Cytogenetic location: 3q13.33.
Variant type: single nucleotide variant.
Coding change: c.5236A>G on transcript NM_199420.4 (MANE Select); coding-DNA position 5236, A replaced by G.
Protein change: p.Lys1746Glu; replaces lysine 1746 with glutamic acid.
Molecular consequence: missense variant.
Genome position (GRCh38, 1-based): chr3:121,487,695, T>C on the plus strand (A>G on the coding strand, the complement: POLQ is on the minus strand). VCF-style: chr3-121487695-T-C. GRCh37 (hg19) VCF-style: chr3-121206542-T-C.
Other names: short protein forms K1746E.
Identifiers: ClinVar variation 1746255 (VCV001746255.3), dbSNP rs200881849, ClinGen allele CA2562760.

ClinVar aggregate classification (germline): Uncertain significance (1 of 4 stars; one submission).

Allele frequency attached by ClinVar (database versions not stated): gnomAD 0.00001; TOPMed 0.00003; ExAC 0.00005; 1000 Genomes Project 0.00020; 1000 Genomes Project 30x 0.00031.
gnomAD v4.1: 26 of 1,613,978 alleles (0.0016%); highest among the groups gnomAD compares: Admixed American, 0.025%; no homozygotes.

Submission:

Ambry Genetics
Classification: Uncertain significance. Last evaluated: 2023-07-27. Review status: criteria provided, single submitter. Criteria: Ambry Variant Classification Scheme 2023. Collection method: clinical testing. Allele origin: germline.
Comment: The p.K1746E variant (also known as c.5236A>G), located in coding exon 16 of the POLQ gene, results from an A to G substitution at nucleotide position 5236. The lysine at codon 1746 is replaced by glutamic acid, an amino acid with similar properties. This amino acid position is conserved. In addition, this alteration is predicted to be tolerated by in silico analysis. Since supporting evidence is limited at this time, the clinical significance of this alteration remains unclear.